The following is an entry in ClinVar:

NM_002485.5(NBN):c.2147A>G (p.Asn716Ser)

Gene: NBN (nibrin; minus strand). Cytogenetic location: 8q21.3.
Variant type: single nucleotide variant.
Coding change: c.2147A>G on transcript NM_002485.5 (MANE Select); coding-DNA position 2147, A replaced by G.
Protein change: p.Asn716Ser; replaces asparagine 716 with serine.
Molecular consequence: missense variant.
Genome position (GRCh38, 1-based): chr8:89,943,290, T>C on the plus strand (A>G on the coding strand, the complement: NBN is on the minus strand). VCF-style: chr8-89943290-T-C. GRCh37 (hg19) VCF-style: chr8-90955518-T-C.
Other names: c.1901A>G, p.Asn634Ser (NM_001024688.3, NM_001440379.1, NM_001440380.1); short protein forms N634S, N716S.
Identifiers: ClinVar variation 4827166 (VCV004827166.1).
Genomic context (GRCh38, chr8:89,943,290, plus strand): 5'-TCTGGGCCTCACTTCCTACTAACCTCCATTTCCTGCCTTAGCCACTCTTCTAGTTCTGTA[T>C]TCTTTCGAGCATGATGAGCTATTAGATCTGATCCTCCAATGATGTGTGGAAGTTTTCCTG-3'
Protein context (NP_002476.2, residues 706-726): SDLIAHHARK[Asn716Ser]TELEEWLRQE

ClinVar aggregate classification (germline): Uncertain significance (1 of 4 stars; one submission).

Conditions:
Hereditary cancer-predisposing syndrome. Also called: Neoplastic Syndromes, Hereditary; Tumor predisposition; Hereditary Cancer Syndrome; Hereditary neoplastic syndrome. Identifiers: Orphanet 140162, MedGen C0027672, MeSH D009386, MONDO:0015356.

Submission:

Ambry Genetics
Classification: Uncertain significance for Hereditary cancer-predisposing syndrome. Last evaluated: 2026-03-03. Review status: criteria provided, single submitter. Criteria: Ambry Variant Classification Scheme 2023. Collection method: clinical testing. Allele origin: germline.
Comment: The p.N716S variant (also known as c.2147A>G), located in coding exon 14 of the NBN gene, results from an A to G substitution at nucleotide position 2147. The asparagine at codon 716 is replaced by serine, an amino acid with highly similar properties. This amino acid position is conserved. In addition, this alteration is predicted to be tolerated by in silico analysis. Based on the available evidence, the clinical significance of this variant remains unclear.